The following is an entry in ClinVar:

ClinVar aggregate classification (germline): Uncertain significance. Review status: criteria provided, single submitter (1 of 4 stars). 2 submissions from 1 submitter: Uncertain significance (1). 1 of the submissions does not count toward it. Last evaluated 2020-09-16.

Conditions:
Neuronal ceroid lipofuscinosis. Also called: Neuronal Ceroid Lipofuscinoses. Identifiers: Orphanet 216, Orphanet 79263, MedGen C0027877, MONDO:0016295. Disease mechanism: loss of function.

Submissions (2):

Labcorp Genetics (formerly Invitae), Labcorp
Classification: Uncertain significance. Last evaluated: 2020-09-16. Review status: criteria provided, single submitter. Criteria: Invitae Variant Classification Sherloc (09022015). Collection method: clinical testing. Allele origin: germline.
Comment: This variant results in a copy number gain of the genomic region encompassing the full coding sequence of the TPP1 gene. The boundaries of this event are unknown as they extend beyond the assayed region for this gene and therefore may encompass additional genes. As the precise location of this event is unknown, it may be in tandem or it may be located elsewhere in the genome. This variant has not been reported in the literature in individuals with TPP1-related conditions. In summary, the available evidence is currently insufficient to determine the role of this variant in disease. Therefore, it has been classified as a Variant of Uncertain Significance.

Labcorp Genetics (formerly Invitae), Labcorp
Classification: Uncertain significance for Neuronal ceroid lipofuscinosis. Last evaluated: 2019-01-31. Review status: flagged submission. Criteria: Invitae Variant Classification Sherloc (09022015). Collection method: clinical testing. Allele origin: germline. Not counted in ClinVar's aggregate classification.
Comment: the same text as in the submission from Labcorp Genetics (formerly Invitae), Labcorp above.
ClinVar note: Reason: This record appears to be redundant with a more recent record from the same submitter.
ClinVar note: Notes: SCV001195866 appears to be redundant with SCV001518904.

NC_000011.9:g.(?_5709028)_(6640651_?)dup

Genes: ILK (integrin linked kinase; plus strand), OR56A1 (olfactory receptor family 56 subfamily A member 1; minus strand), OR56B1 (olfactory receptor family 56 subfamily B member 1; plus strand), CNGA4 (cyclic nucleotide gated channel subunit alpha 4; plus strand), OR56A5 (olfactory receptor family 56 subfamily A member 5; minus strand) and 28 more. Cytogenetic location: 11p15.4.
Variant type: Duplication.
Identifiers: ClinVar variation 1027249 (VCV001027249.1).